The following is an entry in ClinVar:

NM_001184880.2(PCDH19):c.540G>A (p.Thr180=)

Gene: PCDH19 (protocadherin 19; minus strand). Cytogenetic location: Xq22.1.
Variant type: single nucleotide variant.
Coding change: c.540G>A on transcript NM_001184880.2 (MANE Select); coding-DNA position 540, G replaced by A.
Protein change: p.Thr180=; no amino-acid change (threonine 180 retained).
Molecular consequence: synonymous variant.
Genome position (GRCh38, 1-based): chrX:100,408,058, C>T on the plus strand (G>A on the coding strand, the complement: PCDH19 is on the minus strand). VCF-style: chrX-100408058-C-T. GRCh37 (hg19) VCF-style: chrX-99663056-C-T.
Other names: c.540G>A, p.Thr180= (NM_001105243.2, NM_020766.3).
Identifiers: ClinVar variation 516441 (VCV000516441.40), dbSNP rs368094294, ClinGen allele CA10468982.

ClinVar aggregate classification (germline): Likely benign. Review status: criteria provided, multiple submitters, no conflicts (2 of 4 stars). 3 submissions from 3 submitters: Likely benign (3). Last evaluated 2026-01-26.

Conditions:
Developmental and epileptic encephalopathy, 9 (DEE9). Also called: PCDH19-Related X-Linked Female-Limited Epilepsy with Mental Retardation; Early infantile epileptic encephalopathy 9; EPILEPSY, FEMALE-RESTRICTED, WITH MENTAL RETARDATION; JUBERG-HELLMAN SYNDROME. Identifiers: Orphanet 101039, Orphanet 2076, MedGen C1848137, MONDO:0010246, OMIM 300088. Disease mechanism: loss of function.

Allele frequency attached by ClinVar (database versions not stated): gnomAD exomes below 0.00001 and 0.00001; ExAC 0.00001; gnomAD 0.00005 and 0.00006; TOPMed 0.00005; ESP Exome Variant Server 0.00010.
gnomAD v4.1: 11 of 1,208,371 alleles (0.00091%); highest among the groups gnomAD compares: African/African-American, 0.0017%; no homozygotes.

Submissions (3):

Labcorp Genetics (formerly Invitae), Labcorp
Classification: Likely benign for Developmental and epileptic encephalopathy, 9. Last evaluated: 2026-01-26. Review status: criteria provided, single submitter. Criteria: Invitae Variant Classification Sherloc (09022015). Collection method: clinical testing. Allele origin: germline.

CeGaT Center for Human Genetics Tuebingen
Classification: Likely benign. Last evaluated: 2022-05-01. Review status: criteria provided, single submitter. Criteria: CeGaT Center For Human Genetics Tuebingen Variant Classification Criteria Version 2. Collection method: clinical testing. Allele origin: germline. Affected: yes. Observed: 1 variant allele.
Comment: PCDH19: BP4, BP7

GeneDx
Classification: Likely benign. Last evaluated: 2017-06-13. Review status: criteria provided, single submitter. Criteria: GeneDx Variant Classification (06012015). Collection method: clinical testing. Allele origin: germline. Affected: yes.
Comment: This variant is considered likely benign or benign based on one or more of the following criteria: it is a conservative change, it occurs at a poorly conserved position in the protein, it is predicted to be benign by multiple in silico algorithms, and/or has population frequency not consistent with disease.